The following is an entry in ClinVar:

NM_000171.4(GLRA1):c.559+5G>A

Gene: GLRA1 (glycine receptor alpha 1; minus strand). Cytogenetic location: 5q33.1.
Variant type: single nucleotide variant.
Coding change: c.559+5G>A on transcript NM_000171.4 (MANE Select); 5 bases into the intron after coding-DNA position 559, G replaced by A.
Molecular consequence: intron variant.
Genome position (GRCh38, 1-based): chr5:151,856,296, C>T on the plus strand (G>A on the coding strand, the complement: GLRA1 is on the minus strand). VCF-style: chr5-151856296-C-T. GRCh37 (hg19) VCF-style: chr5-151235857-C-T.
Other names: c.310+5G>A (NM_001292000.2); c.559+5G>A (NM_001146040.2).
Identifiers: ClinVar variation 1403173 (VCV001403173.6), dbSNP rs1186139441, ClinGen allele CA563633191.

ClinVar aggregate classification (germline): Uncertain significance (1 of 4 stars; one submission).

Conditions:
Hereditary hyperekplexia. Identifiers: Orphanet 3197, MedGen C4084968, MONDO:0021022.

Allele frequency attached by ClinVar (database versions not stated): gnomAD exomes below 0.00001; gnomAD 0.00001; TOPMed 0.00001.
gnomAD v4.1: 4 of 1,600,722 alleles (0.00025%); highest among the groups gnomAD compares: Non-Finnish European, 0.00034%; no homozygotes.

Submission:

Labcorp Genetics (formerly Invitae), Labcorp
Classification: Uncertain significance for Hereditary hyperekplexia. Last evaluated: 2022-06-13. Review status: criteria provided, single submitter. Criteria: Invitae Variant Classification Sherloc (09022015). Collection method: clinical testing. Allele origin: germline.
Comment: In summary, the available evidence is currently insufficient to determine the role of this variant in disease. Therefore, it has been classified as a Variant of Uncertain Significance. Variants that disrupt the consensus splice site are a relatively common cause of aberrant splicing (PMID: 17576681, 9536098). Algorithms developed to predict the effect of sequence changes on RNA splicing suggest that this variant may disrupt the consensus splice site. This variant has not been reported in the literature in individuals affected with GLRA1-related conditions. This variant is present in population databases (no rsID available, gnomAD 0.007%). This sequence change falls in intron 5 of the GLRA1 gene. It does not directly change the encoded amino acid sequence of the GLRA1 protein. It affects a nucleotide within the consensus splice site.

Literature cited by the submitters: PubMed 17576681; PubMed 9536098.